The following is an entry in ClinVar:

NM_004415.4(DSP):c.2602C>T (p.Gln868Ter)

Gene: DSP (desmoplakin; plus strand). Cytogenetic location: 6p24.3.
Variant type: single nucleotide variant.
Coding change: c.2602C>T on transcript NM_004415.4 (MANE Select); coding-DNA position 2602, C replaced by T.
Protein change: p.Gln868Ter; replaces glutamine 868 with a stop codon.
Molecular consequence: nonsense.
Genome position (GRCh38, 1-based): chr6:7,575,460, C>T. VCF-style: chr6-7575460-C-T. GRCh37 (hg19) VCF-style: chr6-7575693-C-T.
Other names: c.2602C>T (LRG_423t1); c.2602C>T, p.Gln868Ter (NM_001008844.3, NM_001319034.2); short protein forms Q868*.
Identifiers: ClinVar variation 405248 (VCV000405248.7), dbSNP rs1060500618, ClinGen allele CA16612029.

ClinVar aggregate classification (germline): Pathogenic. Review status: criteria provided, single submitter (1 of 4 stars). 2 submissions from 1 submitter: Pathogenic (2). Last evaluated 2016-12-25.

Conditions:
Arrhythmogenic cardiomyopathy with wooly hair and keratoderma. Also called: PALMOPLANTAR KERATODERMA WITH LEFT VENTRICULAR CARDIOMYOPATHY AND WOOLLY HAIR; Carvajal syndrome; Dilated cardiomyopathy with woolly hair and keratoderma; Arrhythmogenic cardiomyopathy with woolly hair and keratoderma. Identifiers: Orphanet 65282, MedGen C1854063, MONDO:0011581, OMIM 605676.
Arrhythmogenic right ventricular dysplasia 8 (ARVD8). Also called: Arrhythmogenic Right Ventricular Dysplasia/Cardiomyopathy 8; ARRHYTHMOGENIC RIGHT VENTRICULAR DYSPLASIA, FAMILIAL, 8; ARRHYTHMOGENIC RIGHT VENTRICULAR CARDIOMYOPATHY 8. Identifiers: MedGen C1843896, MONDO:0011831, OMIM 607450.

Submissions (2):

Labcorp Genetics (formerly Invitae), Labcorp
Classification: Pathogenic for Arrhythmogenic right ventricular dysplasia 8. Last evaluated: 2016-12-25. Review status: criteria provided, single submitter. Criteria: Invitae Variant Classification Sherloc (09022015). Collection method: clinical testing. Allele origin: germline.
Comment: This sequence change creates a premature translational stop signal at codon 868 (p.Gln868*) of the DSP gene. It is expected to result in an absent or disrupted protein product. While this particular variant has not been reported in the literature, loss-of-function variants in DSP are known to be pathogenic (PMID: 16061754, 20716751, 24503780). For these reasons, this variant has been classified as Pathogenic.

Labcorp Genetics (formerly Invitae), Labcorp
Classification: Pathogenic for Arrhythmogenic cardiomyopathy with wooly hair and keratoderma; Arrhythmogenic right ventricular dysplasia 8. Last evaluated: 2016-12-25. Review status: criteria provided, single submitter. Criteria: Invitae Variant Classification Sherloc (09022015). Collection method: clinical testing. Allele origin: germline.
Comment: For these reasons, this variant has been classified as Pathogenic. While this particular variant has not been reported in the literature, loss-of-function variants in DSP are known to be pathogenic (PMID: 16061754, 20716751, 24503780). This sequence change creates a premature translational stop signal at codon 868 (p.Gln868*) of the DSP gene. It is expected to result in an absent or disrupted protein product.

Literature cited by the submitters: PubMed 16061754; PubMed 20716751; PubMed 24503780.